The following is an entry in ClinVar:

ClinVar aggregate classification (germline): Pathogenic (1 of 4 stars; one submission).

Conditions:
Glycogen storage disease, type VI (GSD6). Also called: Glycogen storage disease type 6; Hepatic glycogen phosphorylase deficiency; HERS DISEASE; PHOSPHORYLASE DEFICIENCY GLYCOGEN-STORAGE DISEASE OF LIVER; Glycogen storage disease type 6, due to phosphorylation; GSD VI. Identifiers: Orphanet 369, MedGen C0017925, MONDO:0009294, OMIM 232700.

Submission:

Labcorp Genetics (formerly Invitae), Labcorp
Classification: Pathogenic for Glycogen storage disease, type VI. Last evaluated: 2020-06-06. Review status: criteria provided, single submitter. Criteria: Invitae Variant Classification Sherloc (09022015). Collection method: clinical testing. Allele origin: germline.
Comment: For these reasons, this variant has been classified as Pathogenic. Loss-of-function variants in PYGL are known to be pathogenic (PMID: 9536091, 21646031). This variant has not been reported in the literature in individuals with PYGL-related conditions. A gross deletion of the genomic region encompassing the full coding sequence of the PYGL gene has been identified. The boundaries of this event are unknown as the deletion extends beyond the assayed region for this gene and therefore may encompass additional genes.

Literature cited by the submitters: PubMed 9536091; PubMed 21646031.

NC_000014.8:g.(?_51372090)_(51411141_?)del

Gene: PYGL (glycogen phosphorylase L; minus strand). Cytogenetic location: 14q22.1.
Variant type: Deletion.
Identifiers: ClinVar variation 1070486 (VCV001070486.5).